The following is an entry in ClinVar:

ClinVar aggregate classification (germline): Benign/Likely benign. Review status: criteria provided, multiple submitters, no conflicts (2 of 4 stars). 16 submissions from 16 submitters: Benign (8); Likely benign (1). 7 of the submissions do not count toward it. Last evaluated 2026-02-03.

Conditions:
Hypertrophic cardiomyopathy. Also called: HYPERTROPHIC MYOCARDIOPATHY. Identifiers: Orphanet 217569, MedGen C0007194, MeSH D002312, MONDO:0005045, HP:0001639.

Allele frequency attached by ClinVar (database versions not stated): 1000 Genomes Project 0.00220; TOPMed 0.00301; gnomAD exomes 0.00023 and 0.00062; ExAC 0.00080; ESP Exome Variant Server 0.00261; 1000 Genomes Project 30x 0.00203; gnomAD 0.00258 and 0.00274.

Submissions (16):

Labcorp Genetics (formerly Invitae), Labcorp
Classification: Benign for Hypertrophic cardiomyopathy. Last evaluated: 2026-02-03. Review status: criteria provided, single submitter. Criteria: Invitae Variant Classification Sherloc (09022015). Collection method: clinical testing. Allele origin: germline.

ARUP Laboratories, Molecular Genetics and Genomics, ARUP Laboratories
Classification: Benign. Last evaluated: 2025-05-20. Review status: criteria provided, single submitter. Criteria: ARUP Molecular Germline Variant Investigation Process 2024. Collection method: clinical testing. Allele origin: germline.

Molecular Diagnostic Laboratory for Inherited Cardiovascular Disease, Montreal Heart Institute
Classification: Benign. Last evaluated: 2025-04-09. Review status: criteria provided, single submitter. Criteria: ACMG Guidelines, 2015. Collection method: clinical testing. Allele origin: germline. Affected: no.

Mayo Clinic Laboratories, Mayo Clinic
Classification: Benign. Last evaluated: 2022-06-15. Review status: criteria provided, single submitter. Criteria: ACMG Guidelines, 2015. Collection method: clinical testing. Allele origin: germline. Observed: 8 variant alleles.
Comment: BS1, BS2

Athena Diagnostics
Classification: Likely benign. Last evaluated: 2018-01-26. Review status: criteria provided, single submitter. Criteria: Athena Diagnostics Criteria. Collection method: clinical testing. Allele origin: germline.

GeneDx
Classification: Benign. Last evaluated: 2015-03-03. Review status: criteria provided, single submitter. Criteria: GeneDx Variant Classification Process June 2021. Collection method: clinical testing. Allele origin: germline. Affected: yes.

Eurofins Ntd Llc (ga)
Classification: Benign. Last evaluated: 2015-01-23. Review status: criteria provided, single submitter. Criteria: EGL Classification Definitions 2015. Collection method: clinical testing. Allele origin: germline. Observed: 1 variant allele, 1 heterozygote.

Laboratory for Molecular Medicine, Mass General Brigham Personalized Medicine
Classification: Benign. Last evaluated: 2012-03-02. Review status: criteria provided, single submitter. Criteria: LMM Criteria. Collection method: clinical testing. Allele origin: germline. Observed: 11 variant alleles.
Comment: 4353+10G>A in intron 31 of MYH7: This variant is not expected to have clinical s ignificance because it has been identified in 0.7% (27/3738) of African American chromosomes from a broad population by the NHLBI Exome Sequencing Project.

PreventionGenetics, part of Exact Sciences
Classification: Benign. Review status: criteria provided, single submitter. Criteria: ACMG Guidelines, 2015. Collection method: clinical testing. Allele origin: germline.

Cohesion Phenomics
Classification: Benign for Hypertrophic Cardiomyopathy. Last evaluated: 2022-09-27. Review status: no assertion criteria provided. Criteria: ACMG Guidelines, 2015. Collection method: clinical testing. Allele origin: germline. Affected: yes. Not counted in ClinVar's aggregate classification.

Clinical Genetics DNA and cytogenetics Diagnostics Lab, Erasmus MC, Erasmus Medical Center
Classification: Benign. Review status: no assertion criteria provided. Collection method: clinical testing. Allele origin: germline. Affected: yes. Study: VKGL Data-share Consensus. Not counted in ClinVar's aggregate classification.

Clinical Genetics, Academic Medical Center
Classification: Benign. Review status: no assertion criteria provided. Collection method: clinical testing. Allele origin: germline. Affected: yes. Study: VKGL Data-share Consensus. Not counted in ClinVar's aggregate classification.

Diagnostic Laboratory, Department of Genetics, University Medical Center Groningen
Classification: Likely benign. Review status: no assertion criteria provided. Collection method: clinical testing. Allele origin: germline. Affected: yes. Study: VKGL Data-share Consensus. Not counted in ClinVar's aggregate classification.

Genome Diagnostics Laboratory, University Medical Center Utrecht
Classification: Benign. Review status: no assertion criteria provided. Collection method: clinical testing. Allele origin: germline. Affected: yes. Study: VKGL Data-share Consensus. Not counted in ClinVar's aggregate classification.

Joint Genome Diagnostic Labs from Nijmegen and Maastricht, Radboudumc and MUMC+
Classification: Likely benign. Review status: no assertion criteria provided. Collection method: clinical testing. Allele origin: germline. Affected: yes. Study: VKGL Data-share Consensus. Not counted in ClinVar's aggregate classification.

Laboratory of Diagnostic Genome Analysis, Leiden University Medical Center (LUMC)
Classification: Likely benign. Review status: no assertion criteria provided. Collection method: clinical testing. Allele origin: germline. Affected: yes. Study: VKGL Data-share Consensus. Not counted in ClinVar's aggregate classification.

Literature cited by the submitters: PubMed 27841901 (cited by Athena Diagnostics).

NM_000257.4(MYH7):c.4353+10G>A

Genes: MHRT (myosin heavy chain associated RNA transcript; plus strand), MYH7 (myosin heavy chain 7; minus strand). Cytogenetic location: 14q11.2.
Variant type: single nucleotide variant.
Coding change: c.4353+10G>A on transcript NM_000257.4 (MANE Select); 10 bases into the intron after coding-DNA position 4353, G replaced by A.
Molecular consequence: intron variant.
Genome position (GRCh38, 1-based): chr14:23,417,493, C>T on the plus strand (G>A on the coding strand, the complement: MYH7 is on the minus strand). VCF-style: chr14-23417493-C-T. GRCh37 (hg19) VCF-style: chr14-23886702-C-T.
Other names: p.?.
Identifiers: ClinVar variation 43010 (VCV000043010.36), dbSNP rs202205780, ClinGen allele CA014842.